The following is an entry in ClinVar:

ClinVar aggregate classification (germline): Uncertain significance. Review status: criteria provided, multiple submitters, no conflicts (2 of 4 stars). 3 submissions from 3 submitters: Uncertain significance (3). Last evaluated 2025-06-22.

Allele frequency attached by ClinVar (database versions not stated): TOPMed below 0.00001; gnomAD 0.00001; gnomAD exomes 0.00001 and 0.00002; ExAC 0.00002.
gnomAD v4.1: 24 of 1,613,750 alleles (0.0015%); highest among the groups gnomAD compares: South Asian, 0.0022%; no homozygotes.

Submissions (3):

Labcorp Genetics (formerly Invitae), Labcorp
Classification: Uncertain significance. Last evaluated: 2025-06-22. Review status: criteria provided, single submitter. Criteria: Invitae Variant Classification Sherloc (09022015). Collection method: clinical testing. Allele origin: germline.
Comment: This sequence change replaces glutamine, which is neutral and polar, with lysine, which is basic and polar, at codon 274 of the RP1 protein (p.Gln274Lys). This variant is present in population databases (rs776541829, gnomAD 0.003%). This variant has not been reported in the literature in individuals affected with RP1-related conditions. ClinVar contains an entry for this variant (Variation ID: 499576). An algorithm developed to predict the effect of missense changes on protein structure and function (PolyPhen-2) suggests that this variant is likely to be tolerated. In summary, the available evidence is currently insufficient to determine the role of this variant in disease. Therefore, it has been classified as a Variant of Uncertain Significance.

Blueprint Genetics
Classification: Uncertain significance. Last evaluated: 2024-11-04. Review status: criteria provided, single submitter. Criteria: ACMG Guidelines, 2015. Collection method: clinical testing. Allele origin: germline.

Eurofins Ntd Llc (ga)
Classification: Uncertain significance. Last evaluated: 2017-01-20. Review status: criteria provided, single submitter. Criteria: EGL Classification Definitions 2015. Collection method: clinical testing. Allele origin: germline. Observed: 1 variant allele, 1 heterozygote.

NM_006269.2(RP1):c.820C>A (p.Gln274Lys)

Gene: RP1 (RP1 axonemal microtubule associated; plus strand). Cytogenetic location: 8q12.1.
Variant type: single nucleotide variant.
Coding change: c.820C>A on transcript NM_006269.2 (MANE Select); coding-DNA position 820, C replaced by A.
Protein change: p.Gln274Lys; replaces glutamine 274 with lysine.
Molecular consequence: missense variant.
Genome position (GRCh38, 1-based): chr8:54,624,702, C>A. VCF-style: chr8-54624702-C-A. GRCh37 (hg19) VCF-style: chr8-55537262-C-A.
Other names: short protein forms Q274K.
Identifiers: ClinVar variation 499576 (VCV000499576.8), dbSNP rs776541829, ClinGen allele CA4751284.